The following is an entry in ClinVar:

ClinVar aggregate classification (germline): Uncertain significance (1 of 4 stars; one submission).

Conditions:
Autosomal recessive severe congenital neutropenia due to JAGN1 deficiency. Also called: Severe congenital neutropenia 6, autosomal recessive. Identifiers: Orphanet 423384, MedGen C4014954, MONDO:0014456, OMIM 616022.

Submission:

Labcorp Genetics (formerly Invitae), Labcorp
Classification: Uncertain significance for Autosomal recessive severe congenital neutropenia due to JAGN1 deficiency. Last evaluated: 2021-10-12. Review status: criteria provided, single submitter. Criteria: Invitae Variant Classification Sherloc (09022015). Collection method: clinical testing. Allele origin: germline.
Comment: This variant is not present in population databases (ExAC no frequency). In summary, the available evidence is currently insufficient to determine the role of this variant in disease. Therefore, it has been classified as a Variant of Uncertain Significance. Algorithms developed to predict the effect of missense changes on protein structure and function (SIFT, PolyPhen-2, Align-GVGD) all suggest that this variant is likely to be tolerated. This variant has not been reported in the literature in individuals affected with JAGN1-related conditions. This sequence change replaces methionine with leucine at codon 55 of the JAGN1 protein (p.Met55Leu). The methionine residue is highly conserved and there is a small physicochemical difference between methionine and leucine.

NM_032492.4(JAGN1):c.163A>T (p.Met55Leu)

Gene: JAGN1 (jagunal vesicle mediated transporter 1; plus strand). Cytogenetic location: 3p25.3.
Variant type: single nucleotide variant.
Coding change: c.163A>T on transcript NM_032492.4 (MANE Select); coding-DNA position 163, A replaced by T.
Protein change: p.Met55Leu; replaces methionine 55 with leucine.
Molecular consequence: missense variant. On other transcripts: initiator codon variant (1).
Genome position (GRCh38, 1-based): chr3:9,892,988, A>T. VCF-style: chr3-9892988-A-T. GRCh37 (hg19) VCF-style: chr3-9934672-A-T.
Other names: c.1A>T, p.Met1Leu (NM_001363890.1); short protein forms M1L, M55L.
Identifiers: ClinVar variation 1486200 (VCV001486200.6), dbSNP rs1311043090, ClinGen allele CA351714229.